The following is an entry in ClinVar:

ClinVar aggregate classification (germline): Uncertain significance (1 of 4 stars; one submission).

Conditions:
Hereditary cancer-predisposing syndrome. Also called: Neoplastic Syndromes, Hereditary; Tumor predisposition; Hereditary neoplastic syndrome; Hereditary Cancer Syndrome. Identifiers: Orphanet 140162, MedGen C0027672, MeSH D009386, MONDO:0015356.

Submission:

Ambry Genetics
Classification: Uncertain significance for Hereditary cancer-predisposing syndrome. Last evaluated: 2024-05-19. Review status: criteria provided, single submitter. Criteria: Ambry Variant Classification Scheme 2023. Collection method: clinical testing. Allele origin: germline.
Comment: The p.T271N variant (also known as c.812C>A), located in coding exon 4 of the RET gene, results from a C to A substitution at nucleotide position 812. The threonine at codon 271 is replaced by asparagine, an amino acid with similar properties. This amino acid position is conserved. In addition, this alteration is predicted to be tolerated by in silico analysis. Based on the available evidence, the clinical significance of this variant remains unclear.

NM_020975.6(RET):c.812C>A (p.Thr271Asn)

Gene: RET (ret proto-oncogene; plus strand). Cytogenetic location: 10q11.21.
Variant type: single nucleotide variant.
Coding change: c.812C>A on transcript NM_020975.6 (MANE Select); coding-DNA position 812, C replaced by A.
Protein change: p.Thr271Asn; replaces threonine 271 with asparagine.
Molecular consequence: missense variant. On other transcripts: intron variant (22).
Genome position (GRCh38, 1-based): chr10:43,105,138, C>A. VCF-style: chr10-43105138-C-A. GRCh37 (hg19) VCF-style: chr10-43600586-C-A.
Other names: c.50C>A, p.Thr17Asn (NM_001355216.2); c.812C>A, p.Thr271Asn (NM_001406743.1, NM_001406744.1, NM_001406763.1 and 6 more transcripts); c.683C>A, p.Thr228Asn (NM_001406764.1, NM_001406761.1, NM_001406762.1 and 2 more transcripts); c.524C>A, p.Thr175Asn (NM_001406766.1, NM_001406767.1, NM_001406770.1); c.625+2509C>A (NM_001406773.1, NM_001406771.1, NM_001406782.1 and 5 more transcripts); c.496+2509C>A (NM_001406786.1, NM_001406783.1); c.338-3893C>A (NM_001406778.1, NM_001406775.1, NM_001406776.1 and 1 more transcripts); c.337+4416C>A (NM_001406790.1, NM_001406788.1, NM_001406789.1 and 1 more transcripts); and 2 more; short protein forms T175N, T17N, T271N, T228N.
Identifiers: ClinVar variation 3313737 (VCV003313737.1).